The following is an entry in ClinVar:

ClinVar aggregate classification (germline): Uncertain significance. Review status: criteria provided, multiple submitters, no conflicts (2 of 4 stars). 2 submissions from 2 submitters: Uncertain significance (2). Last evaluated 2025-12-17.

Conditions:
Inborn genetic diseases. Identifiers: MedGen C0950123, MeSH D030342.

Submissions (2):

Ambry Genetics
Classification: Uncertain significance for Inborn genetic diseases. Last evaluated: 2025-12-17. Review status: criteria provided, single submitter. Criteria: Ambry Variant Classification Scheme 2023. Collection method: clinical testing. Allele origin: germline.
Comment: The p.Q866K variant (also known as c.2596C>A), located in coding exon 1 of the SAMD9L gene, results from a C to A substitution at nucleotide position 2596. The glutamine at codon 866 is replaced by lysine, an amino acid with similar properties. This amino acid position is conserved. In addition, this alteration is predicted to be tolerated by in silico analysis. Based on the available evidence, the clinical significance of this variant remains unclear.

Labcorp Genetics (formerly Invitae), Labcorp
Classification: Uncertain significance. Last evaluated: 2023-06-10. Review status: criteria provided, single submitter. Criteria: Invitae Variant Classification Sherloc (09022015). Collection method: clinical testing. Allele origin: germline.
Comment: This sequence change replaces glutamine, which is neutral and polar, with lysine, which is basic and polar, at codon 866 of the SAMD9L protein (p.Gln866Lys). This variant is not present in population databases (gnomAD no frequency). This variant has not been reported in the literature in individuals affected with SAMD9L-related conditions. Advanced modeling of protein sequence and biophysical properties (such as structural, functional, and spatial information, amino acid conservation, physicochemical variation, residue mobility, and thermodynamic stability) performed at Invitae indicates that this missense variant is not expected to disrupt SAMD9L protein function. In summary, the available evidence is currently insufficient to determine the role of this variant in disease. Therefore, it has been classified as a Variant of Uncertain Significance.

NM_152703.5(SAMD9L):c.2596C>A (p.Gln866Lys)

Gene: SAMD9L (sterile alpha motif domain containing 9 like; minus strand). Cytogenetic location: 7q21.2.
Variant type: single nucleotide variant.
Coding change: c.2596C>A on transcript NM_152703.5 (MANE Select); coding-DNA position 2596, C replaced by A.
Protein change: p.Gln866Lys; replaces glutamine 866 with lysine.
Molecular consequence: missense variant.
Genome position (GRCh38, 1-based): chr7:93,133,376, G>T on the plus strand (C>A on the coding strand, the complement: SAMD9L is on the minus strand). VCF-style: chr7-93133376-G-T. GRCh37 (hg19) VCF-style: chr7-92762689-G-T.
Other names: c.2596C>A (NM_152703.2); c.2596C>A, p.Gln866Lys (NM_001303496.3, NM_001303497.3, NM_001303498.3 and 5 more transcripts); short protein forms Q866K.
Identifiers: ClinVar variation 2796573 (VCV002796573.4), dbSNP rs925234208, ClinGen allele CA161960189.
Genomic context (GRCh38, chr7:93,133,376, plus strand): 5'-AGTTTTCACAGTTCTTGTGCTGCTTTTCAATTTCCTTCAGTTTGGCACCAAAAGCTCTTT[G>T]TTCCTTGGAAGAAAGTTGGTAATTTAGTGCAATACTGTCTGCCAATTTTGCACTTTCATC-3'
Protein context (NP_689916.2, residues 856-876): ALNYQLSSKE[Gln866Lys]RAFGAKLKEI